The following is an entry in ClinVar:

NM_001290060.2(SEMA3B):c.2162T>G (p.Leu721Arg)

Gene: SEMA3B (semaphorin 3B; plus strand). Cytogenetic location: 3p21.31.
Variant type: single nucleotide variant.
Coding change: c.2162T>G on transcript NM_001290060.2 (MANE Select); coding-DNA position 2162, T replaced by G.
Protein change: p.Leu721Arg; replaces leucine 721 with arginine.
Molecular consequence: missense variant. On other transcripts: non-coding transcript variant (1).
Genome position (GRCh38, 1-based): chr3:50,276,618, T>G. VCF-style: chr3-50276618-T-G. GRCh37 (hg19) VCF-style: chr3-50314049-T-G.
Other names: c.2159T>G, p.Leu720Arg (NM_001005914.3, NM_001435957.1, NM_001435958.1); c.2177T>G, p.Leu726Arg (NM_001290061.1); c.1133T>G, p.Leu378Arg (NM_001290062.2, NM_001290063.2); c.2162T>G, p.Leu721Arg (NM_001435956.1, NM_004636.4); short protein forms L720R, L726R, L378R, L721R.
Identifiers: ClinVar variation 4984550 (VCV004984550.1).

ClinVar aggregate classification (germline): Uncertain significance (1 of 4 stars; one submission).

Conditions:
SEMA3B-related disorder. Also called: SEMA3B-related condition.

gnomAD v4.1: 3 of 1,591,036 alleles (0.00019%); highest among the groups gnomAD compares: Non-Finnish European, 0.00026%; no homozygotes.

Submission:

PreventionGenetics, part of Exact Sciences
Classification: Uncertain significance for SEMA3B-related condition. Last evaluated: 2025-08-12. Review status: criteria provided, single submitter. Criteria: ACMG Guidelines, 2015. Collection method: clinical testing. Allele origin: germline.
Comment: The SEMA3B c.2177T>G variant is predicted to result in the amino acid substitution p.Leu726Arg. To our knowledge, this variant has not been reported in the literature or in a large population database (gnomAD), indicating this variant is rare. At this time, the clinical significance of this variant is uncertain due to the absence of conclusive functional and genetic evidence.